The following is an entry in ClinVar:

ClinVar aggregate classification (germline): Uncertain significance (1 of 4 stars; one submission).

Conditions:
Immunodeficiency 39 (IMD39). Identifiers: Orphanet 574918, MedGen C4225358, MONDO:0014597, OMIM 616345.

Allele frequency attached by ClinVar (database versions not stated): TOPMed 0.00002.

Submission:

Labcorp Genetics (formerly Invitae), Labcorp
Classification: Uncertain significance for Immunodeficiency 39. Last evaluated: 2024-02-24. Review status: criteria provided, single submitter. Criteria: Invitae Variant Classification Sherloc (09022015). Collection method: clinical testing. Allele origin: germline.
Comment: This sequence change replaces glutamic acid, which is acidic and polar, with lysine, which is basic and polar, at codon 97 of the IRF7 protein (p.Glu97Lys). The frequency data for this variant in the population databases is considered unreliable, as metrics indicate poor data quality at this position in the gnomAD database. This variant has not been reported in the literature in individuals affected with IRF7-related conditions. ClinVar contains an entry for this variant (Variation ID: 1018212). An algorithm developed to predict the effect of missense changes on protein structure and function (PolyPhen-2) suggests that this variant is likely to be disruptive. In summary, the available evidence is currently insufficient to determine the role of this variant in disease. Therefore, it has been classified as a Variant of Uncertain Significance.

NM_001572.5(IRF7):c.250G>A (p.Glu84Lys)

Gene: IRF7 (interferon regulatory factor 7; minus strand). Cytogenetic location: 11p15.5.
Variant type: single nucleotide variant.
Coding change: c.250G>A on transcript NM_001572.5 (MANE Select); coding-DNA position 250, G replaced by A.
Protein change: p.Glu84Lys; replaces glutamic acid 84 with lysine.
Molecular consequence: missense variant.
Genome position (GRCh38, 1-based): chr11:614,941, C>T on the plus strand (G>A on the coding strand, the complement: IRF7 is on the minus strand). VCF-style: chr11-614941-C-T. GRCh37 (hg19) VCF-style: chr11-614941-C-T.
Other names: c.250G>A, p.Glu84Lys (NM_004029.4); c.289G>A, p.Glu97Lys (NM_004031.4); short protein forms E84K, E97K.
Identifiers: ClinVar variation 1018212 (VCV001018212.8), dbSNP rs751995586, ClinGen allele CA216913071.